The following is an entry in ClinVar:

NM_005677.4(COLQ):c.116G>T (p.Ser39Ile)

Gene: COLQ (collagen like tail subunit of asymmetric acetylcholinesterase; minus strand). Cytogenetic location: 3p25.1.
Variant type: single nucleotide variant.
Coding change: c.116G>T on transcript NM_005677.4 (MANE Select); coding-DNA position 116, G replaced by T.
Protein change: p.Ser39Ile; replaces serine 39 with isoleucine.
Molecular consequence: missense variant.
Genome position (GRCh38, 1-based): chr3:15,489,628, C>A on the plus strand (G>T on the coding strand, the complement: COLQ is on the minus strand). VCF-style: chr3-15489628-C-A. GRCh37 (hg19) VCF-style: chr3-15531135-C-A.
Other names: c.86G>T, p.Ser29Ile (NM_080538.2); c.116G>T, p.Ser39Ile (NM_080539.4); short protein forms S29I, S39I.
Identifiers: ClinVar variation 661631 (VCV000661631.6), dbSNP rs1289941307, ClinGen allele CA351601660.

ClinVar aggregate classification (germline): Uncertain significance (1 of 4 stars; one submission).

Conditions:
Congenital myasthenic syndrome 5. Identifiers: Orphanet 590, MedGen C1864233, MONDO:0011281, OMIM 603034.

gnomAD v4.1: 5 of 1,614,024 alleles (0.00031%); highest among the groups gnomAD compares: Admixed American, 0.005%; no homozygotes.

Submission:

Labcorp Genetics (formerly Invitae), Labcorp
Classification: Uncertain significance for Congenital myasthenic syndrome 5. Last evaluated: 2022-10-13. Review status: criteria provided, single submitter. Criteria: Invitae Variant Classification Sherloc (09022015). Collection method: clinical testing. Allele origin: germline.
Comment: This sequence change replaces serine, which is neutral and polar, with isoleucine, which is neutral and non-polar, at codon 39 of the COLQ protein (p.Ser39Ile). This variant is not present in population databases (gnomAD no frequency). This variant has not been reported in the literature in individuals affected with COLQ-related conditions. ClinVar contains an entry for this variant (Variation ID: 661631). Advanced modeling of protein sequence and biophysical properties (such as structural, functional, and spatial information, amino acid conservation, physicochemical variation, residue mobility, and thermodynamic stability) performed at Invitae indicates that this missense variant is not expected to disrupt COLQ protein function. In summary, the available evidence is currently insufficient to determine the role of this variant in disease. Therefore, it has been classified as a Variant of Uncertain Significance.